The following is an entry in ClinVar:

NM_138694.4(PKHD1):c.9013G>T (p.Glu3005Ter)

Gene: PKHD1 (PKHD1 ciliary IPT domain containing fibrocystin/polyductin; minus strand). Cytogenetic location: 6p12.3.
Variant type: single nucleotide variant.
Coding change: c.9013G>T on transcript NM_138694.4 (MANE Select); coding-DNA position 9013, G replaced by T.
Protein change: p.Glu3005Ter; replaces glutamic acid 3005 with a stop codon.
Molecular consequence: nonsense.
Genome position (GRCh38, 1-based): chr6:51,748,603, C>A on the plus strand (G>T on the coding strand, the complement: PKHD1 is on the minus strand). VCF-style: chr6-51748603-C-A. GRCh37 (hg19) VCF-style: chr6-51613401-C-A.
Other names: c.9013G>T, p.Glu3005Ter (NM_170724.3); short protein forms E3005*.
Identifiers: ClinVar variation 4816788 (VCV004816788.1).

ClinVar aggregate classification (germline): Likely pathogenic (1 of 4 stars; one submission).

Conditions:
Autosomal recessive polycystic kidney disease (ARPKD). Also called: AR polycystic kidney disease. Identifiers: Orphanet 731, Orphanet 8378, MedGen C0085548, MeSH D017044, MONDO:0009889.

Submission:

Natera, Inc.
Classification: Likely pathogenic for Autosomal recessive polycystic kidney disease. Last evaluated: 2025-03-27. Review status: criteria provided, single submitter. Criteria: Natera Variant Classification Schema (03/2026). Collection method: clinical testing. Allele origin: germline.
Comment: The c.9013G>T variant in PKHD1 is a nonsense variant predicted to introduce a stop codon at amino acid 3005. This variant is expected to result in nonsense mediated decay, truncation, or a dysfunctional protein product. This variant is rare in the general population with a frequency below the threshold expected for the associated phenotype(s). Given the available evidence, this variant is classified as Likely Pathogenic.